The following is an entry in ClinVar:

NM_001034853.2(RPGR):c.194G>T (p.Gly65Val)

Gene: RPGR (retinitis pigmentosa GTPase regulator; minus strand). Cytogenetic location: Xp11.4.
Variant type: single nucleotide variant.
Coding change: c.194G>T on transcript NM_001034853.2 (MANE Select); coding-DNA position 194, G replaced by T.
Protein change: p.Gly65Val; replaces glycine 65 with valine.
Molecular consequence: missense variant. On other transcripts: non-coding transcript variant (6).
Genome position (GRCh38, 1-based): chrX:38,322,906, C>A on the plus strand (G>T on the coding strand, the complement: RPGR is on the minus strand). VCF-style: chrX-38322906-C-A. GRCh37 (hg19) VCF-style: chrX-38182159-C-A.
Other names: c.194G>T, p.Gly65Val (NM_000328.3, NM_001367245.1, NM_001367246.1 and 4 more transcripts); c.224G>T, p.Gly75Val (NM_001367248.1); short protein forms G65V, G75V.
Identifiers: ClinVar variation 3724221 (VCV003724221.2).

ClinVar aggregate classification (germline): Pathogenic (1 of 4 stars; one submission).

Conditions:
Primary ciliary dyskinesia. Also called: Ciliary dyskinesia. Identifiers: Orphanet 244, MedGen C0008780, MONDO:0016575, HP:0012265.

Submission:

Labcorp Genetics (formerly Invitae), Labcorp
Classification: Pathogenic for Primary ciliary dyskinesia. Last evaluated: 2024-09-27. Review status: criteria provided, single submitter. Criteria: Invitae Variant Classification Sherloc (09022015). Collection method: clinical testing. Allele origin: germline.
Comment: This sequence change replaces glycine, which is neutral and non-polar, with valine, which is neutral and non-polar, at codon 65 of the RPGR protein (p.Gly65Val). This variant is not present in population databases (gnomAD no frequency). This missense change has been observed in individuals with retinitis pigmentosa (PMID: 16969763, 30543658). Invitae Evidence Modeling of protein sequence and biophysical properties (such as structural, functional, and spatial information, amino acid conservation, physicochemical variation, residue mobility, and thermodynamic stability) indicates that this missense variant is expected to disrupt RPGR protein function with a positive predictive value of 95%. This variant disrupts the p.Gly65 amino acid residue in RPGR. Other variant(s) that disrupt this residue have been determined to be pathogenic (PMID: 20861475, 23372056). This suggests that this residue is clinically significant, and that variants that disrupt this residue are likely to be disease-causing. For these reasons, this variant has been classified as Pathogenic.

Literature cited by the submitters: PubMed 16969763; PubMed 30543658; PubMed 20861475; PubMed 23372056.